The following is an entry in ClinVar:

ClinVar aggregate classification (germline): Benign/Likely benign. Review status: criteria provided, multiple submitters, no conflicts (2 of 4 stars). 9 submissions from 8 submitters: Benign (7); Likely benign (2). Last evaluated 2026-01-29.

Conditions:
Familial thoracic aortic aneurysm and aortic dissection (TAAD). Also called: Thoracic aortic aneurysms and dissections. Identifiers: Orphanet 91387, MedGen C4707243, MONDO:0019625.
Adams-Oliver syndrome 5 (AOS5). Identifiers: Orphanet 974, MedGen C4014970, MONDO:0014459, OMIM 616028.
Aortic valve disease 1 (AOVD1). Identifiers: MedGen C3887892, MONDO:0024523, OMIM 109730.

Allele frequency attached by ClinVar (database versions not stated): gnomAD exomes 0.00028 and 0.00069; ExAC 0.00194; 1000 Genomes Project 0.00280; 1000 Genomes Project 30x 0.00344; ESP Exome Variant Server 0.00367; gnomAD 0.00369 and 0.00401; TOPMed 0.00388.
gnomAD v4.1: 983 of 1,566,752 alleles (0.063%); highest among the groups gnomAD compares: African/African-American, 1.2%; 4 homozygotes.

Submissions (9):

Labcorp Genetics (formerly Invitae), Labcorp
Classification: Benign for Adams-Oliver syndrome 5. Last evaluated: 2026-01-29. Review status: criteria provided, single submitter. Criteria: Invitae Variant Classification Sherloc (09022015). Collection method: clinical testing. Allele origin: germline.

CeGaT Center for Human Genetics Tuebingen
Classification: Likely benign. Last evaluated: 2025-03-01. Review status: criteria provided, single submitter. Criteria: CeGaT Center For Human Genetics Tuebingen Variant Classification Criteria Version 2. Collection method: clinical testing. Allele origin: germline. Affected: yes. Observed: 1 variant allele.
Comment: NOTCH1: BP4, BS1

Blueprint Genetics
Classification: Likely benign. Last evaluated: 2024-11-26. Review status: criteria provided, single submitter. Criteria: ACMG Guidelines, 2015. Collection method: clinical testing. Allele origin: germline.

Mayo Clinic Laboratories, Mayo Clinic
Classification: Benign. Last evaluated: 2024-07-31. Review status: criteria provided, single submitter. Criteria: ACMG Guidelines, 2015. Collection method: clinical testing. Allele origin: germline. Observed: 6 variant alleles.
Comment: BS1, BS2, BP4, BP7

Women's Health and Genetics/Laboratory Corporation of America, LabCorp
Classification: Benign. Last evaluated: 2023-07-21. Review status: criteria provided, single submitter. Criteria: LabCorp Variant Classification Summary - May 2015. Collection method: clinical testing. Allele origin: germline.

CHEO Genetics Diagnostic Laboratory, Children's Hospital of Eastern Ontario
Classification: Benign for Familial thoracic aortic aneurysm and aortic dissection. Last evaluated: 2022-11-17. Review status: criteria provided, single submitter. Criteria: ACMG Guidelines, 2015. Collection method: clinical testing. Allele origin: germline.

Genome-Nilou Lab
Classification: Benign for Adams-Oliver syndrome 5. Last evaluated: 2022-03-15. Review status: criteria provided, single submitter. Criteria: ACMG Guidelines, 2015. Collection method: clinical testing. Allele origin: germline. Affected: no.

Genome-Nilou Lab
Classification: Benign for Aortic valve disease 1. Last evaluated: 2022-03-15. Review status: criteria provided, single submitter. Criteria: ACMG Guidelines, 2015. Collection method: clinical testing. Allele origin: germline. Affected: no.

GeneDx
Classification: Benign. Last evaluated: 2017-08-22. Review status: criteria provided, single submitter. Criteria: GeneDx Variant Classification (06012015). Collection method: clinical testing. Allele origin: germline. Affected: yes.
Comment: This variant is considered likely benign or benign based on one or more of the following criteria: it is a conservative change, it occurs at a poorly conserved position in the protein, it is predicted to be benign by multiple in silico algorithms, and/or has population frequency not consistent with disease.

Literature cited by the submitters: PubMed 16614245 (cited by Women's Health and Genetics/Laboratory Corporation of America, LabCorp); PubMed 19635999 (cited by Women's Health and Genetics/Laboratory Corporation of America, LabCorp); PubMed 19245433 (cited by Women's Health and Genetics/Laboratory Corporation of America, LabCorp); PubMed 22858860 (cited by Women's Health and Genetics/Laboratory Corporation of America, LabCorp).

NM_017617.5(NOTCH1):c.62-8C>T

Gene: NOTCH1 (notch receptor 1; minus strand). Cytogenetic location: 9q34.3.
Variant type: single nucleotide variant.
Coding change: c.62-8C>T on transcript NM_017617.5 (MANE Select); 8 bases into the intron before coding-DNA position 62, C replaced by T.
Molecular consequence: intron variant.
Genome position (GRCh38, 1-based): chr9:136,544,110, G>A on the plus strand (C>T on the coding strand, the complement: NOTCH1 is on the minus strand). VCF-style: chr9-136544110-G-A. GRCh37 (hg19) VCF-style: chr9-139438562-G-A.
Other names: p.?; c.62-8C>T (LRG_1122t1, NM_017617.4).
Identifiers: ClinVar variation 241159 (VCV000241159.23), dbSNP rs202023246, ClinGen allele CA5342264.